The following is an entry in ClinVar:

NM_000051.4(ATM):c.1894G>T (p.Glu632Ter)

Gene: ATM (ATM serine/threonine kinase; plus strand). Cytogenetic location: 11q22.3.
Variant type: single nucleotide variant.
Coding change: c.1894G>T on transcript NM_000051.4 (MANE Select); coding-DNA position 1894, G replaced by T.
Protein change: p.Glu632Ter; replaces glutamic acid 632 with a stop codon.
Molecular consequence: nonsense.
Genome position (GRCh38, 1-based): chr11:108,252,908, G>T. VCF-style: chr11-108252908-G-T. GRCh37 (hg19) VCF-style: chr11-108123635-G-T.
Other names: c.1894G>T, p.Glu632Ter (NM_001351834.2); short protein forms E632*.
Identifiers: ClinVar variation 1782127 (VCV001782127.5), dbSNP rs1041333479, ClinGen allele CA228392550.
Genomic context (GRCh38, chr11:108,252,908, plus strand): 5'-CTTGTGAGTCTCACTATGAAAAACTGTAAAGCTGCAATGAATTTTTTCCAAAGCGTGCCA[G>T]AATGGTATGTTATCTAATAATGCTCTTTATCATTTTAAGCTATAGCTTTAATTACAAAGA-3'

ClinVar aggregate classification (germline): Pathogenic. Review status: criteria provided, multiple submitters, no conflicts (2 of 4 stars). 3 submissions from 3 submitters: Pathogenic (3). Last evaluated 2024-05-01.

Conditions:
Familial cancer of breast. Also called: BREAST CANCER, FAMILIAL; Hereditary breast cancer; hereditary breast carcinoma. Identifiers: Orphanet 227535, MedGen C0346153, MONDO:0016419, OMIM 114480. Disease mechanism: loss of function.
Ataxia-telangiectasia syndrome (AT). Also called: LOUIS-BAR SYNDROME; Cerebello-oculocutaneous telangiectasia; Immunodeficiency with ataxia telangiectasia; Ataxia-telangiectasia, complementation group D; AT, COMPLEMENTATION GROUP C; ATAXIA-TELANGIECTASIA, COMPLEMENTATION GROUP A. Identifiers: Orphanet 100, MedGen C0004135, MONDO:0008840, OMIM 208900.
Hereditary cancer-predisposing syndrome. Also called: Tumor predisposition; Neoplastic Syndromes, Hereditary; Hereditary Cancer Syndrome; Hereditary neoplastic syndrome. Identifiers: Orphanet 140162, MedGen C0027672, MeSH D009386, MONDO:0015356.

Allele frequency attached by ClinVar (database versions not stated): gnomAD exomes below 0.00001; gnomAD 0.00001.

Submissions (3):

Labcorp Genetics (formerly Invitae), Labcorp
Classification: Pathogenic for Ataxia-telangiectasia syndrome. Last evaluated: 2024-05-01. Review status: criteria provided, single submitter. Criteria: Invitae Variant Classification Sherloc (09022015). Collection method: clinical testing. Allele origin: germline.
Comment: This sequence change creates a premature translational stop signal (p.Glu632*) in the ATM gene. It is expected to result in an absent or disrupted protein product. Loss-of-function variants in ATM are known to be pathogenic (PMID: 23807571, 25614872). This variant is present in population databases (no rsID available, gnomAD 0.007%). This variant has not been reported in the literature in individuals affected with ATM-related conditions. ClinVar contains an entry for this variant (Variation ID: 1782127). For these reasons, this variant has been classified as Pathogenic.

Myriad Genetics, Inc.
Classification: Pathogenic for Familial cancer of breast. Last evaluated: 2024-01-16. Review status: criteria provided, single submitter. Criteria: Myriad Autosomal Dominant, Autosomal Recessive and X-Linked Classification Criteria (2023). Collection method: clinical testing. Allele origin: unknown.
Comment: This variant is considered pathogenic. This variant creates a termination codon and is predicted to result in premature protein truncation.

Ambry Genetics
Classification: Pathogenic for Hereditary cancer-predisposing syndrome. Last evaluated: 2021-09-16. Review status: criteria provided, single submitter. Criteria: Ambry Variant Classification Scheme 2023. Collection method: clinical testing. Allele origin: germline.
Comment: The p.E632* pathogenic mutation (also known as c.1894G>T), located in coding exon 11 of the ATM gene, results from a G to T substitution at nucleotide position 1894. This changes the amino acid from a glutamic acid to a stop codon within coding exon 11. This alteration is expected to result in loss of function by premature protein truncation or nonsense-mediated mRNA decay. As such, this alteration is interpreted as a disease-causing mutation.

Literature cited by the submitters: PubMed 23807571 (cited by Labcorp Genetics (formerly Invitae), Labcorp); PubMed 25614872 (cited by Labcorp Genetics (formerly Invitae), Labcorp).